The following is an entry in ClinVar:

NM_014915.3(ANKRD26):c.3170A>G (p.Asp1057Gly)

Gene: ANKRD26 (ankyrin repeat domain 26; minus strand). Cytogenetic location: 10p12.1.
Variant type: single nucleotide variant.
Coding change: c.3170A>G on transcript NM_014915.3 (MANE Select); coding-DNA position 3170, A replaced by G.
Protein change: p.Asp1057Gly; replaces aspartic acid 1057 with glycine.
Molecular consequence: missense variant.
Genome position (GRCh38, 1-based): chr10:27,035,280, T>C on the plus strand (A>G on the coding strand, the complement: ANKRD26 is on the minus strand). VCF-style: chr10-27035280-T-C. GRCh37 (hg19) VCF-style: chr10-27324209-T-C.
Other names: c.3167A>G, p.Asp1056Gly (NM_001256053.2); short protein forms D1057G, D1056G.
Identifiers: ClinVar variation 3022757 (VCV003022757.3), dbSNP rs2538762222, ClinGen allele CA376363882.

ClinVar aggregate classification (germline): Uncertain significance (1 of 4 stars; one submission).

Allele frequency attached by ClinVar (database versions not stated): gnomAD exomes below 0.00001.
gnomAD v4.1: 3 of 1,613,906 alleles (0.00019%); highest among the groups gnomAD compares: South Asian, 0.0011%; no homozygotes.

Submission:

Labcorp Genetics (formerly Invitae), Labcorp
Classification: Uncertain significance. Last evaluated: 2023-06-20. Review status: criteria provided, single submitter. Criteria: Invitae Variant Classification Sherloc (09022015). Collection method: clinical testing. Allele origin: germline.
Comment: In summary, the available evidence is currently insufficient to determine the role of this variant in disease. Therefore, it has been classified as a Variant of Uncertain Significance. An algorithm developed to predict the effect of missense changes on protein structure and function (PolyPhen-2) suggests that this variant is likely to be disruptive. This variant has not been reported in the literature in individuals affected with ANKRD26-related conditions. This variant is not present in population databases (gnomAD no frequency). This sequence change replaces aspartic acid, which is acidic and polar, with glycine, which is neutral and non-polar, at codon 1057 of the ANKRD26 protein (p.Asp1057Gly).